The following is an entry in ClinVar:

NM_001375765.1(GIGYF1):c.1447C>A (p.Gln483Lys)

Gene: GIGYF1 (GRB10 interacting GYF protein 1; minus strand). Cytogenetic location: 7q22.1.
Variant type: single nucleotide variant.
Coding change: c.1447C>A on transcript NM_001375765.1 (MANE Select); coding-DNA position 1447, C replaced by A.
Protein change: p.Gln483Lys; replaces glutamine 483 with lysine.
Molecular consequence: missense variant. On other transcripts: non-coding transcript variant (1).
Genome position (GRCh38, 1-based): chr7:100,684,738, G>T on the plus strand (C>A on the coding strand, the complement: GIGYF1 is on the minus strand). VCF-style: chr7-100684738-G-T. GRCh37 (hg19) VCF-style: chr7-100282361-G-T.
Other names: NM_022574.4:c.1447C>A; c.1447C>A, p.Gln483Lys (NM_001375759.1, NM_001375760.1, NM_001375761.1 and 6 more transcripts); short protein forms Q483K.
Identifiers: ClinVar variation 4995140 (VCV004995140.1).

ClinVar aggregate classification (germline): Uncertain significance (1 of 4 stars; one submission).

Conditions:
GIGYF1-related disorder. Also called: GIGYF1-related condition.

Submission:

PreventionGenetics, part of Exact Sciences
Classification: Uncertain significance for GIGYF1-related condition. Last evaluated: 2026-05-21. Review status: criteria provided, single submitter. Criteria: ACMG Guidelines, 2015. Collection method: clinical testing. Allele origin: germline.
Comment: The GIGYF1 c.1447C>A variant is predicted to result in the amino acid substitution p.Gln483Lys. To our knowledge, this variant has not been reported in the literature or in a large population database (gnomAD), indicating this variant is rare. At this time, the clinical significance of this variant is uncertain due to the absence of conclusive functional and genetic evidence.